The following is an entry in ClinVar:

ClinVar aggregate classification (germline): Uncertain significance (1 of 4 stars; one submission).

Conditions:
Diamond-Blackfan anemia. Also called: Blackfan Diamond syndrome; Aregenerative anemia chronic congenital; Red cell aplasia, pure hereditary; Congenital hypoplastic anemia; Aase syndrome. Identifiers: Orphanet 124, MedGen C1260899, MeSH D029503, MONDO:0015253, HP:0004810.

Submission:

Labcorp Genetics (formerly Invitae), Labcorp
Classification: Uncertain significance for Diamond-Blackfan anemia. Last evaluated: 2019-04-01. Review status: criteria provided, single submitter. Criteria: Invitae Variant Classification Sherloc (09022015). Collection method: clinical testing. Allele origin: germline.
Comment: In summary, the available evidence is currently insufficient to determine the role of this variant in disease. Therefore, it has been classified as a Variant of Uncertain Significance. Algorithms developed to predict the effect of missense changes on protein structure and function are either unavailable or do not agree on the potential impact of this missense change (SIFT: "Tolerated"; PolyPhen-2: "Probably Damaging"; Align-GVGD: "Class C0"). This variant has not been reported in the literature in individuals with RPL5-related conditions. This variant is not present in population databases (ExAC no frequency). This sequence change replaces glutamine with proline at codon 225 of the RPL5 protein (p.Gln225Pro). The glutamine residue is moderately conserved and there is a moderate physicochemical difference between glutamine and proline.

NM_000969.5(RPL5):c.674A>C (p.Gln225Pro)

Genes: DIPK1A (divergent protein kinase domain 1A; minus strand), RPL5 (ribosomal protein L5; plus strand). Cytogenetic location: 1p22.1.
Variant type: single nucleotide variant.
Coding change: c.674A>C on transcript NM_000969.5 (MANE Select); coding-DNA position 674, A replaced by C.
Protein change: p.Gln225Pro; replaces glutamine 225 with proline.
Molecular consequence: missense variant. On other transcripts: non-coding transcript variant (1), intron variant (1).
Genome position (GRCh38, 1-based): chr1:92,837,602, A>C. VCF-style: chr1-92837602-A-C. GRCh37 (hg19) VCF-style: chr1-93303159-A-C.
Other names: c.475-4568T>G (NM_001252273.2); short protein forms Q225P.
Identifiers: ClinVar variation 854676 (VCV000854676.10), dbSNP rs1687179289, ClinGen allele CA341243098.
Genomic context (GRCh38, chr1:92,837,602, plus strand): 5'-CAGATTACATGCGCTACTTAATGGAAGAAGATGAAGATGCTTACAAGAAACAGTTCTCTC[A>C]ATACATAAAGAACAGCGTAACTCCAGACATGGTAAAACATTTACCTAAAAATGCCTATAT-3'
Protein context (NP_000960.2, residues 215-235): DEDAYKKQFS[Gln225Pro]YIKNSVTPDM